The following is an entry in ClinVar:

ClinVar aggregate classification (germline): Uncertain significance (1 of 4 stars; one submission).

Conditions:
Progressive familial heart block type IB (PFHB1B). Identifiers: Orphanet 871, MedGen C1970298, MONDO:0011474, OMIM 604559.

gnomAD v4.1: 2 of 1,589,104 alleles (0.00013%); highest among the groups gnomAD compares: East Asian, 0.0022%; no homozygotes.

Submission:

Labcorp Genetics (formerly Invitae), Labcorp
Classification: Uncertain significance for Progressive familial heart block type IB. Last evaluated: 2025-05-27. Review status: criteria provided, single submitter. Criteria: Invitae Variant Classification Sherloc (09022015). Collection method: clinical testing. Allele origin: germline.
Comment: This sequence change affects a donor splice site in intron 11 of the TRPM4 gene. It is expected to disrupt RNA splicing. Variants that disrupt the donor or acceptor splice site typically lead to a loss of protein function (PMID: 16199547), however the current clinical and genetic evidence is not sufficient to establish whether loss-of-function variants in TRPM4 cause disease. The frequency data for this variant in the population databases is considered unreliable, as metrics indicate poor data quality at this position in the gnomAD database. This variant has not been reported in the literature in individuals affected with TRPM4-related conditions. ClinVar contains an entry for this variant (Variation ID: 3615778). Algorithms developed to predict the effect of sequence changes on RNA splicing suggest that this variant may disrupt the consensus splice site. In summary, the available evidence is currently insufficient to determine the role of this variant in disease. Therefore, it has been classified as a Variant of Uncertain Significance.

Literature cited by the submitters: PubMed 16199547.

NM_017636.4(TRPM4):c.1608+1G>A

Gene: TRPM4 (transient receptor potential cation channel subfamily M member 4; plus strand). Cytogenetic location: 19q13.33.
Variant type: single nucleotide variant.
Coding change: c.1608+1G>A on transcript NM_017636.4 (MANE Select); the canonical splice donor site of the intron after coding-DNA position 1608, G replaced by A.
Molecular consequence: splice donor variant. On other transcripts: intron variant (1).
Genome position (GRCh38, 1-based): chr19:49,182,923, G>A. VCF-style: chr19-49182923-G-A. GRCh37 (hg19) VCF-style: chr19-49686180-G-A.
Other names: c.1608+1G>A (NM_001195227.2); c.-1+56G>A (NM_001321282.2); c.1263+1G>A (NM_001321281.2); c.1086+1G>A (NM_001321283.2); c.546+1G>A (NM_001321285.2).
Identifiers: ClinVar variation 3615778 (VCV003615778.2).